The following is an entry in ClinVar:

ClinVar aggregate classification (germline): Likely benign (0 of 4 stars; one submission).

Conditions:
SNTG1-related disorder. Also called: SNTG1-related condition.

Allele frequency attached by ClinVar (database versions not stated): 1000 Genomes Project 30x 0.00016; 1000 Genomes Project 0.00020; gnomAD 0.00135; ExAC 0.00141; TOPMed 0.00146; ESP Exome Variant Server 0.00238; gnomAD exomes 0.00239.
gnomAD v4.1: 3,635 of 1,594,966 alleles (0.23%); highest among the groups gnomAD compares: Non-Finnish European, 0.28%; 19 homozygotes.

Submission:

PreventionGenetics, part of Exact Sciences
Classification: Likely benign for SNTG1-related condition. Last evaluated: 2020-11-10. Review status: no assertion criteria provided. Collection method: clinical testing. Allele origin: germline.
Comment: This variant is classified as likely benign based on ACMG/AMP sequence variant interpretation guidelines (Richards et al. 2015 PMID: 25741868, with internal and published modifications).

NM_018967.5(SNTG1):c.250G>A (p.Val84Ile)

Gene: SNTG1 (syntrophin gamma 1; plus strand). Cytogenetic location: 8q11.21.
Variant type: single nucleotide variant.
Coding change: c.250G>A on transcript NM_018967.5 (MANE Select); coding-DNA position 250, G replaced by A.
Protein change: p.Val84Ile; replaces valine 84 with isoleucine.
Molecular consequence: missense variant. On other transcripts: non-coding transcript variant (5).
Genome position (GRCh38, 1-based): chr8:50,449,698, G>A. VCF-style: chr8-50449698-G-A. GRCh37 (hg19) VCF-style: chr8-51362258-G-A.
Other names: c.250G>A, p.Val84Ile (NM_001287813.3, NM_001287814.3, NM_001321773.2 and 4 more transcripts); short protein forms V84I.
Identifiers: ClinVar variation 3050595 (VCV003050595.2), dbSNP rs145093612, ClinGen allele CA4743903.
Genomic context (GRCh38, chr8:50,449,698, plus strand): 5'-AAAGTACAATATATGATTTTCTCTTTTCAGGGAGGAGCAGAACATAACATTCCAGTTGTC[G>A]TTTCAAAAATCTCCAAGGAACAAAGAGGTAATATGTTTAGAGAATTGTGTACCAGCCATT-3'
Protein context (NP_061840.1, residues 74-94): GGAEHNIPVV[Val84Ile]SKISKEQRAE